The following is an entry in ClinVar:

NM_201384.3(PLEC):c.933C>G (p.Phe311Leu)

Gene: PLEC (plectin; minus strand). Cytogenetic location: 8q24.3.
Variant type: single nucleotide variant.
Coding change: c.933C>G on transcript NM_201384.3 (MANE Select); coding-DNA position 933, C replaced by G.
Protein change: p.Phe311Leu; replaces phenylalanine 311 with leucine.
Molecular consequence: missense variant.
Genome position (GRCh38, 1-based): chr8:143,934,822, G>C on the plus strand (C>G on the coding strand, the complement: PLEC is on the minus strand). VCF-style: chr8-143934822-G-C. GRCh37 (hg19) VCF-style: chr8-145008990-G-C.
Other names: c.1014C>G, p.Phe338Leu (NM_000445.5, NM_001410941.1); c.891C>G, p.Phe297Leu (NM_201378.4); c.867C>G, p.Phe289Leu (NM_201379.3); c.1344C>G, p.Phe448Leu (NM_201380.4); c.837C>G, p.Phe279Leu (NM_201381.3); c.933C>G, p.Phe311Leu (NM_201382.4); c.945C>G, p.Phe315Leu (NM_201383.3); short protein forms F311L, F448L, F297L, F338L, F279L, F289L, F315L.
Identifiers: ClinVar variation 2940215 (VCV002940215.3), dbSNP rs369363676, ClinGen allele CA372585948.

ClinVar aggregate classification (germline): Uncertain significance (1 of 4 stars; one submission).

Conditions:
Epidermolysis bullosa simplex with nail dystrophy (EBS5D). Identifiers: MedGen C4225309, MONDO:0014661, OMIM 616487.
Epidermolysis bullosa simplex, Ogna type (EBS5A). Also called: Pidermolysis bullosa simplex 5A, Ogna type; EPIDERMOLYSIS BULLOSA SIMPLEX 5A, OGNA TYPE. Identifiers: Orphanet 79401, MedGen C0432317, MONDO:0007555, OMIM 131950.
Autosomal recessive limb-girdle muscular dystrophy type 2Q (LGMDR17). Also called: MUSCULAR DYSTROPHY, LIMB-GIRDLE, AUTOSOMAL RECESSIVE 17. Identifiers: Orphanet 254361, MedGen C3150989, MONDO:0013390, OMIM 613723.
Epidermolysis bullosa simplex 5B, with muscular dystrophy (EBS5B). Also called: EPIDERMOLYSIS BULLOSA SIMPLEX AND LIMB-GIRDLE MUSCULAR DYSTROPHY; Epidermolysis bullosa simplex with muscular dystrophy. Identifiers: Orphanet 257, MedGen C2931072, MONDO:0009181, OMIM 226670.
Epidermolysis bullosa simplex 5C, with pyloric atresia (EBS5C). Also called: PLEC-Related Epidermolysis Bullosa with Pyloric Atresia; Epidermolysis bullosa simplex with pyloric atresia; PLEC1-Related Epidermolysis Bullosa with Pyloric Atresia. Identifiers: Orphanet 158684, MedGen C2677349, MONDO:0012807, OMIM 612138.

Submission:

Labcorp Genetics (formerly Invitae), Labcorp
Classification: Uncertain significance for Autosomal recessive limb-girdle muscular dystrophy type 2Q; Epidermolysis bullosa simplex, Ogna type; Epidermolysis bullosa simplex with nail dystrophy; Epidermolysis bullosa simplex 5C, with pyloric atresia; Epidermolysis bullosa simplex 5B, with muscular dystrophy. Last evaluated: 2025-02-17. Review status: criteria provided, single submitter. Criteria: Invitae Variant Classification Sherloc (09022015). Collection method: clinical testing. Allele origin: germline.
Comment: This sequence change replaces phenylalanine, which is neutral and non-polar, with leucine, which is neutral and non-polar, at codon 338 of the PLEC protein (p.Phe338Leu). This variant is not present in population databases (gnomAD no frequency). This variant has not been reported in the literature in individuals affected with PLEC-related conditions. ClinVar contains an entry for this variant (Variation ID: 2940215). Invitae Evidence Modeling of protein sequence and biophysical properties (such as structural, functional, and spatial information, amino acid conservation, physicochemical variation, residue mobility, and thermodynamic stability) indicates that this missense variant is not expected to disrupt PLEC protein function with a negative predictive value of 80%. In summary, the available evidence is currently insufficient to determine the role of this variant in disease. Therefore, it has been classified as a Variant of Uncertain Significance.